The following is an entry in ClinVar:

NM_001243133.2(NLRP3):c.95C>T (p.Pro32Leu)

Gene: NLRP3 (NLR family pyrin domain containing 3; plus strand). Cytogenetic location: 1q44.
Variant type: single nucleotide variant.
Coding change: c.95C>T on transcript NM_001243133.2 (MANE Select); coding-DNA position 95, C replaced by T.
Protein change: p.Pro32Leu; replaces proline 32 with leucine.
Molecular consequence: missense variant.
Genome position (GRCh38, 1-based): chr1:247,418,895, C>T. VCF-style: chr1-247418895-C-T. GRCh37 (hg19) VCF-style: chr1-247582197-C-T.
Other names: c.95C>T, p.Pro32Leu (NM_001079821.3, NM_001127461.3, NM_001127462.3 and 1 more transcripts); c.101C>T, p.Pro34Leu (NM_004895.5); short protein forms P32L, P34L.
Identifiers: ClinVar variation 4800136 (VCV004800136.1).

ClinVar aggregate classification (germline): Uncertain significance (1 of 4 stars; one submission).

Conditions:
Cryopyrin associated periodic syndrome (CAPS). Identifiers: Orphanet 208650, MedGen C2316212, MONDO:0016168.

gnomAD v4.1: 1 of 1,614,046 alleles (0.000062%); highest among the groups gnomAD compares: Non-Finnish European, 0.000085%; no homozygotes.

Submission:

Labcorp Genetics (formerly Invitae), Labcorp
Classification: Uncertain significance for Cryopyrin associated periodic syndrome. Last evaluated: 2025-04-26. Review status: criteria provided, single submitter. Criteria: Invitae Variant Classification Sherloc (09022015). Collection method: clinical testing. Allele origin: germline.
Comment: This sequence change replaces proline, which is neutral and non-polar, with leucine, which is neutral and non-polar, at codon 34 of the NLRP3 protein (p.Pro34Leu). This variant is not present in population databases (gnomAD no frequency). This variant has not been reported in the literature in individuals affected with NLRP3-related conditions. Invitae Evidence Modeling of protein sequence and biophysical properties (such as structural, functional, and spatial information, amino acid conservation, physicochemical variation, residue mobility, and thermodynamic stability) indicates that this missense variant is not expected to disrupt NLRP3 protein function with a negative predictive value of 95%. In summary, the available evidence is currently insufficient to determine the role of this variant in disease. Therefore, it has been classified as a Variant of Uncertain Significance.